The following is an entry in ClinVar:

NM_000238.4(KCNH2):c.3343A>G (p.Met1115Val)

Gene: KCNH2 (potassium voltage-gated channel subfamily H member 2; minus strand). Cytogenetic location: 7q36.1.
Variant type: single nucleotide variant.
Coding change: c.3343A>G on transcript NM_000238.4 (MANE Select); coding-DNA position 3343, A replaced by G.
Protein change: p.Met1115Val; replaces methionine 1115 with valine.
Molecular consequence: missense variant. On other transcripts: non-coding transcript variant (2).
Genome position (GRCh38, 1-based): chr7:150,945,502, T>C on the plus strand (A>G on the coding strand, the complement: KCNH2 is on the minus strand). VCF-style: chr7-150945502-T-C. GRCh37 (hg19) VCF-style: chr7-150642590-T-C.
Other names: p.M1115V:ATG>GTG; c.3343A>G (LRG_288t1); c.3055A>G, p.Met1019Val (NM_001406753.1); c.2323A>G, p.Met775Val (NM_172057.3); short protein forms M1115V, M775V, M1019V.
Identifiers: ClinVar variation 67490 (VCV000067490.18), dbSNP rs199473546, ClinGen allele CA008225.
Genomic context (GRCh38, chr7:150,945,502, plus strand): 5'-GTCGTGTGGGGCCTTCTTGGGGAAGCTCTGGGGCCCCCGGGGGCAGCTCCTCACACGCCA[T>C]GAACTGGGAAACCTGCAATACACACAGAGCATGGGCAGGCGAAGAGGCCATGGAGGAGGA-3'
Protein context (NP_000229.1, residues 1105-1125): LDSLSQVSQF[Met1115Val]ACEELPPGAP

ClinVar aggregate classification (germline): Uncertain significance. Review status: criteria provided, multiple submitters, no conflicts (2 of 4 stars). 5 submissions from 5 submitters: Uncertain significance (4). 1 of the submissions does not count toward it. Last evaluated 2025-08-09.

Conditions:
Cardiac arrhythmia. Also called: Cardiac rhythm disease; Arrhythmia. Identifiers: MedGen C0003811, MONDO:0007263, HP:0011675.
Familial long QT syndrome (RWS). Also called: Romano-Ward syndrome; VENTRICULAR FIBRILLATION WITH PROLONGED QT INTERVAL; Congenital long QT syndrome. Identifiers: Orphanet 768, MedGen C1141890, MONDO:0019171.
Long QT syndrome (LQTS). Identifiers: MedGen C0023976, MeSH D008133, MONDO:0002442. Disease mechanism: loss of function. Inheritance: Various modes of inheritance.

Allele frequency attached by ClinVar (database versions not stated): gnomAD exomes 0.00001; TOPMed 0.00003; gnomAD 0.00001.

Submissions (5):

Labcorp Genetics (formerly Invitae), Labcorp
Classification: Uncertain significance for Long QT syndrome. Last evaluated: 2025-08-09. Review status: criteria provided, single submitter. Criteria: Invitae Variant Classification Sherloc (09022015). Collection method: clinical testing. Allele origin: germline.
Comment: This sequence change replaces methionine, which is neutral and non-polar, with valine, which is neutral and non-polar, at codon 1115 of the KCNH2 protein (p.Met1115Val). This variant is not present in population databases (gnomAD no frequency). This missense change has been observed in individual(s) with clinical features of KCNH2-related conditions (PMID: 19716085). ClinVar contains an entry for this variant (Variation ID: 67490). An algorithm developed to predict the effect of missense changes on protein structure and function outputs the following: PolyPhen-2: "Benign". The valine amino acid residue is found in multiple mammalian species, which suggests that this missense change does not adversely affect protein function. In summary, the available evidence is currently insufficient to determine the role of this variant in disease. Therefore, it has been classified as a Variant of Uncertain Significance.

Color Diagnostics, LLC DBA Color Health
Classification: Uncertain significance for Cardiac arrhythmia. Last evaluated: 2025-07-29. Review status: criteria provided, single submitter. Criteria: ACMG Guidelines, 2015. Collection method: clinical testing. Allele origin: germline.
Comment: This missense variant replaces methionine with valine at codon 1115 of the KCNH2 protein. Computational prediction tool is inconclusive regarding the impact of this variant on protein structure and function. To our knowledge, functional studies have not been reported for this variant. This variant has been reported in an individual affected with long QT syndrome (PMID: 19716085). This variant has not been identified in the general population by the Genome Aggregation Database (gnomAD). The available evidence is insufficient to determine the role of this variant in disease conclusively. Therefore, this variant is classified as a Variant of Uncertain Significance.

All of Us Research Program, National Institutes of Health
Classification: Uncertain significance for Long QT syndrome. Last evaluated: 2024-09-23. Review status: criteria provided, single submitter. Criteria: ACMG Guidelines, 2015. Collection method: clinical testing. Allele origin: germline. Inheritance: Autosomal dominant inheritance. Observed: 4 variant alleles, 4 heterozygotes.
Comment: This missense variant replaces methionine with valine at codon 1115 of the KCNH2 protein. Computational prediction suggests that this variant may not impact protein structure and function (internally defined REVEL score threshold <= 0.5, PMID: 27666373). Splice site prediction tools suggest that this variant may not impact RNA splicing. To our knowledge, functional studies have not been performed for this variant. This variant has been reported in an individual affected with long QT syndrome (PMID:19716085). This variant has not been identified in the general population by the Genome Aggregation Database (gnomAD). The available evidence is insufficient to determine the role of this variant in disease conclusively. Therefore, this variant is classified as a Variant of Uncertain Significance.

This study involves interpretation of variants in research participants for the purpose of population health screening. Participant phenotype was not available at the time of variant classification. Additional details can be found in publication PMID: 35346344, PMCID: PMC8962531

GeneDx
Classification: Uncertain significance. Last evaluated: 2024-03-13. Review status: criteria provided, single submitter. Criteria: GeneDx Variant Classification Process June 2021. Collection method: clinical testing. Allele origin: germline. Affected: yes.
Comment: Not observed at significant frequency in large population cohorts (gnomAD); In silico analysis supports that this missense variant does not alter protein structure/function; This variant is associated with the following publications: (PMID: 19716085)

Cardiovascular Biomedical Research Unit, Royal Brompton & Harefield NHS Foundation Trust
No classification provided. Condition: Familial long QT syndrome. Review status: no classification provided. Collection method: literature only. Allele origin: germline. Not counted in ClinVar's aggregate classification.
Comment: This variant has been reported as associated with Long QT syndrome in the following publications (PMID:19716085). This is a literature report, and does not necessarily reflect the clinical interpretation of the Imperial College / Royal Brompton Cardiovascular Genetics laboratory.

Literature cited by the submitters: PubMed 19716085 (cited by 4 submitters); PubMed 22581653 (cited by Cardiovascular Biomedical Research Unit, Royal Brompton & Harefield NHS Foundation Trust).